The following is an entry in ClinVar:

ClinVar aggregate classification (germline): Uncertain significance. Review status: criteria provided, multiple submitters, no conflicts (2 of 4 stars). 2 submissions from 2 submitters: Uncertain significance (2). Last evaluated 2025-08-12.

Conditions:
Mitochondrial complex II deficiency, nuclear type 1. Also called: SUCCINATE CoQ REDUCTASE DEFICIENCY. Identifiers: Orphanet 3208, MedGen C5700310, MONDO:0100294, OMIM 252011.
Pheochromocytoma/paraganglioma syndrome 5. Also called: Paragangliomas 5; SDHA-Related Hereditary Paraganglioma-Pheochromocytoma Syndrome. Identifiers: Orphanet 29072, MedGen C3279992, MONDO:0013602, OMIM 614165.
Hereditary cancer-predisposing syndrome. Also called: Hereditary neoplastic syndrome; Neoplastic Syndromes, Hereditary; Tumor predisposition; Hereditary Cancer Syndrome. Identifiers: Orphanet 140162, MedGen C0027672, MeSH D009386, MONDO:0015356.

Submissions (2):

Ambry Genetics
Classification: Uncertain significance for Hereditary cancer-predisposing syndrome. Last evaluated: 2025-08-12. Review status: criteria provided, single submitter. Criteria: Ambry Variant Classification Scheme 2023. Collection method: clinical testing. Allele origin: germline.
Comment: The p.I235V variant (also known as c.703A>G), located in coding exon 6 of the SDHA gene, results from an A to G substitution at nucleotide position 703. The isoleucine at codon 235 is replaced by valine, an amino acid with highly similar properties. This amino acid position is conserved. In addition, this alteration is predicted to be tolerated by in silico analysis. Based on the available evidence, the clinical significance of this variant remains unclear.

Labcorp Genetics (formerly Invitae), Labcorp
Classification: Uncertain significance for Pheochromocytoma/paraganglioma syndrome 5; Mitochondrial complex II deficiency, nuclear type 1. Last evaluated: 2024-05-21. Review status: criteria provided, single submitter. Criteria: Invitae Variant Classification Sherloc (09022015). Collection method: clinical testing. Allele origin: germline.
Comment: This sequence change replaces isoleucine, which is neutral and non-polar, with valine, which is neutral and non-polar, at codon 235 of the SDHA protein (p.Ile235Val). This variant is not present in population databases (gnomAD no frequency). This variant has not been reported in the literature in individuals affected with SDHA-related conditions. Advanced modeling of protein sequence and biophysical properties (such as structural, functional, and spatial information, amino acid conservation, physicochemical variation, residue mobility, and thermodynamic stability) performed at Invitae indicates that this missense variant is not expected to disrupt SDHA protein function with a negative predictive value of 95%. In summary, the available evidence is currently insufficient to determine the role of this variant in disease. Therefore, it has been classified as a Variant of Uncertain Significance.

NM_004168.4(SDHA):c.703A>G (p.Ile235Val)

Gene: SDHA (succinate dehydrogenase complex flavoprotein subunit A; plus strand). Cytogenetic location: 5p15.33.
Variant type: single nucleotide variant.
Coding change: c.703A>G on transcript NM_004168.4 (MANE Select); coding-DNA position 703, A replaced by G.
Protein change: p.Ile235Val; replaces isoleucine 235 with valine.
Molecular consequence: missense variant.
Genome position (GRCh38, 1-based): chr5:228,266, A>G. VCF-style: chr5-228266-A-G. GRCh37 (hg19) VCF-style: chr5-228381-A-G.
Other names: c.703A>G, p.Ile235Val (NM_001330758.2); c.559A>G, p.Ile187Val (NM_001294332.2); c.703A>G (NM_004168.2); short protein forms I187V, I235V.
Identifiers: ClinVar variation 3753756 (VCV003753756.3).
Genomic context (GRCh38, chr5:228,266, plus strand): 5'-TATTTTGTGGAGTATTTTGCCTTGGATCTCCTGATGGAGAATGGGGAGTGCCGTGGTGTC[A>G]TCGCACTGTGCATAGAGGACGGGTCCATCCATCGCATAAGAGCAAAGAACACTGTTGTTG-3'
Protein context (NP_004159.2, residues 225-245): LMENGECRGV[Ile235Val]ALCIEDGSIH